The following is an entry in ClinVar:

NM_000458.4(HNF1B):c.1134G>A (p.Gln378=)

Gene: HNF1B (HNF1 homeobox B; minus strand). Cytogenetic location: 17q12.
Variant type: single nucleotide variant.
Coding change: c.1134G>A on transcript NM_000458.4 (MANE Select); coding-DNA position 1134, G replaced by A.
Protein change: p.Gln378=; no amino-acid change (glutamine 378 retained).
Molecular consequence: synonymous variant.
Genome position (GRCh38, 1-based): chr17:37,710,575, C>T on the plus strand (G>A on the coding strand, the complement: HNF1B is on the minus strand). VCF-style: chr17-37710575-C-T. GRCh37 (hg19) VCF-style: chr17-36070583-C-T.
Other names: c.1134G>A (NM_000458.3); c.1056G>A, p.Gln352= (NM_001165923.4, NM_001304286.2); c.1134G>A, p.Gln378= (NM_001411100.1).
Identifiers: ClinVar variation 2717403 (VCV002717403.5), dbSNP rs756128569, ClinGen allele CA8518881.

ClinVar aggregate classification (germline): Benign/Likely benign. Review status: criteria provided, multiple submitters, no conflicts (2 of 4 stars). 3 submissions from 3 submitters: Benign (2); Likely benign (1). Last evaluated 2026-06-23.

Conditions:
HNF1B-related disorder. Also called: HNF1B-related condition; HNF1B-related disorders.

Allele frequency attached by ClinVar (database versions not stated): gnomAD exomes 0.00001; TOPMed 0.00002; gnomAD 0.00003; ExAC 0.00010.
gnomAD v4.1: 18 of 1,614,070 alleles (0.0011%); highest among the groups gnomAD compares: East Asian, 0.036%; no homozygotes.

Submissions (3):

PreventionGenetics, part of Exact Sciences
Classification: Likely benign for HNF1B-related condition. Last evaluated: 2026-06-23. Review status: criteria provided, single submitter. Criteria: ACMG Guidelines, 2015. Collection method: clinical testing. Allele origin: germline.
Comment: This variant is classified as likely benign based on ACMG/AMP sequence variant interpretation guidelines (Richards et al. 2015 PMID: 25741868, with internal and published modifications).

Labcorp Genetics (formerly Invitae), Labcorp
Classification: Benign. Last evaluated: 2025-12-10. Review status: criteria provided, single submitter. Criteria: Invitae Variant Classification Sherloc (09022015). Collection method: clinical testing. Allele origin: germline.

Women's Health and Genetics/Laboratory Corporation of America, LabCorp
Classification: Benign. Last evaluated: 2024-12-10. Review status: criteria provided, single submitter. Criteria: LabCorp Variant Classification Summary - May 2015. Collection method: clinical testing. Allele origin: germline.
Comment: Variant summary: HNF1B c.1134G>A results in a synonymous change. Consensus agreement among computation tools predict no significant impact on normal splicing (TrAP). However, these predictions have yet to be confirmed by functional studies. The variant allele was found at a frequency of 8.4e-05 in 251496 control chromosomes. The observed variant frequency is approximately 33.4 fold of the estimated maximal expected allele frequency for a pathogenic variant in HNF1B causing Maturity Onset Diabetes Of The Young 5 (Renal Cysts And Diabetes Syndrome) phenotype (2.5e-06). ClinVar contains an entry for this variant (Variation ID: 2717403). Based on the evidence outlined above, the variant was classified as benign.